The following is an entry in ClinVar:

ClinVar aggregate classification (germline): Pathogenic (1 of 4 stars; one submission).

Submission:

Athena Diagnostics
Classification: Pathogenic. Last evaluated: 2019-02-25. Review status: criteria provided, single submitter. Criteria: Athena Diagnostics Criteria. Collection method: clinical testing. Allele origin: germline.
Comment: The variant results in a shift of the reading frame, and is therefore predicted to result in the loss of a functional protein. Found in at least one symptomatic patient, and not found in general population data.

NM_000054.7(AVPR2):c.441dup (p.Tyr148fs)

Gene: AVPR2 (arginine vasopressin receptor 2; plus strand). Cytogenetic location: Xq28.
Variant type: Duplication.
Coding change: c.441dup on transcript NM_000054.7 (MANE Select); coding-DNA position 441, one base duplicated (G; older notation c.441dupG).
Protein change: p.Tyr148fs; shifts the reading frame from tyrosine 148.
Molecular consequence: frameshift variant.
Genome position (GRCh38, 1-based): chrX:153,905,947, G duplicated. VCF-style (leftmost placement, unchanged base first): chrX-153905946-C-CG. GRCh37 (hg19) VCF-style: chrX-153171400-C-CG.
Other names: c.441dup, p.Tyr148fs (NM_001146151.3); short protein forms Y148fs.
Identifiers: ClinVar variation 804556 (VCV000804556.1), dbSNP rs1603282111, ClinGen allele CA915952056.